The following is an entry in ClinVar:

ClinVar aggregate classification (germline): Uncertain significance (1 of 4 stars; one submission).

Conditions:
Polycystic kidney disease. Also called: Polycystic kidney dysplasia; Kidney, Polycystic. Identifiers: MedGen C0022680, MeSH D007690, MONDO:0020642, HP:0000113.

Allele frequency attached by ClinVar (database versions not stated): TOPMed below 0.00001; gnomAD exomes 0.00001 and 0.00002; ExAC 0.00003.
gnomAD v4.1: 17 of 1,604,876 alleles (0.0011%); highest among the groups gnomAD compares: South Asian, 0.0022%; no homozygotes.

Submission:

Diagnostics Services (NGS), CSIR - Centre For Cellular And Molecular Biology
Classification: Uncertain significance for Polycystic kidney disease. Last evaluated: 2020-03-23. Review status: criteria provided, single submitter. Criteria: ACMG Guidelines, 2015. Collection method: clinical testing. Allele origin: unknown. Affected: yes. Observed: 1 heterozygote.
Comment: This PIK3CA gene encodes the catalytic subunit of Phosphatidylinositol 3-kinase (PI3K) protein that helps to generate phosphatidylinositol 3,4,5-trisphosphate (PIP3). PIP3 plays a key role by recruiting PH domain-containing proteins to the membrane, including AKT1 and PDPK1, activating signalling cascades involved in cell growth, survival, proliferation, motility and morphology and participates in cellular signalling in response to various growth factors. Studies demonstrate that the activity of various members of the PI3K/Akt/mTOR network goes beyond the classical transduction of mitogenic signals and can impact several aspects of kidney tubule homeostasis and morphogenesis [Margaria et al., Cell Signal 2020]. Over-activation of the PI3K/Akt/mTOR pathway leads to hyper-proliferation in both cancer and kidney cysts. This pathway is also involved in inhibition of tuberous sclerosis protein 2 [De Santis et al., Cancers (Basel) 2017]. As an important component of this pathway, the variant observed in PIK3CA gene may be responsible for the reported phenotype. The c.2309G>A variant is not present in publicly available databases like 1000 Genomes and Exome Variant Server (EVS). It is present in Exome Aggregation Consortium (ExAC), Genome Aggregation Database (gnomAD) and dbSNP at a very low frequency (MAF<0.00001), in heterozygous state. The variant is not present in our in-house exome database. The variant was not reported OMIM, ClinVar or Human Genome Mutation Database (HGMD), in any affected individuals. The variant is present in a highly conserved region and in-silico pathogenicity prediction programs like SIFT, PolyPhen-2, MutationTaster2, CADD etc. predicted this variant to be likely deleterious, however there are no documented functional studies to prove this. Due to lack of enough evidence the variant has been classified as uncertain significance.

NM_006218.4(PIK3CA):c.2309G>A (p.Arg770Gln)

Gene: PIK3CA (phosphatidylinositol-4,5-bisphosphate 3-kinase catalytic subunit alpha; plus strand). Cytogenetic location: 3q26.32.
Variant type: single nucleotide variant.
Coding change: c.2309G>A on transcript NM_006218.4 (MANE Select); coding-DNA position 2309, G replaced by A.
Protein change: p.Arg770Gln; replaces arginine 770 with glutamine.
Molecular consequence: missense variant.
Genome position (GRCh38, 1-based): chr3:179,224,714, G>A. VCF-style: chr3-179224714-G-A. GRCh37 (hg19) VCF-style: chr3-178942502-G-A.
Other names: short protein forms R770Q.
Identifiers: ClinVar variation 872914 (VCV000872914.5), dbSNP rs749840319, ClinGen allele CA2710940.
Genomic context (GRCh38, chr3:179,224,714, plus strand): 5'-AATAATAAAGCAAAGGTACCTAGTAAAGTTTTTAACTATTTTAAAGGCTTGAAGAGTGTC[G>A]AATTATGTCCTCTGCAAAAAGGCCACTGTGGTTGAATTGGGAGAACCCAGACATCATGTC-3'
Protein context (NP_006209.2, residues 760-780): QLGNLRLEEC[Arg770Gln]IMSSAKRPLW